The following is an entry in ClinVar:

NM_000548.5(TSC2):c.494T>A (p.Leu165Gln)

Gene: TSC2 (TSC complex subunit 2; plus strand). Cytogenetic location: 16p13.3.
Variant type: single nucleotide variant.
Coding change: c.494T>A on transcript NM_000548.5 (MANE Select); coding-DNA position 494, T replaced by A.
Protein change: p.Leu165Gln; replaces leucine 165 with glutamine.
Molecular consequence: missense variant. On other transcripts: 5 prime UTR variant (13), non-coding transcript variant (5), intron variant (7).
Genome position (GRCh38, 1-based): chr16:2,055,414, T>A. VCF-style: chr16-2055414-T-A. GRCh37 (hg19) VCF-style: chr16-2105415-T-A.
Other names: c.494T>A, p.Leu165Gln (NM_001077183.3, NM_001114382.3, NM_001363528.2 and 8 more transcripts); c.383T>A, p.Leu128Gln (NM_001318827.2, NM_001406670.1, NM_001406678.1); c.347T>A, p.Leu116Gln (NM_001318829.2, NM_001406675.1, NM_001406676.1 and 1 more transcripts); c.527T>A, p.Leu176Gln (NM_001318832.2); c.584T>A, p.Leu195Gln (NM_001406667.1, NM_001406668.1); c.437T>A, p.Leu146Gln (NM_001406677.1); c.-323T>A (NM_001406680.1, NM_001406683.1, NM_001406687.1); c.-938T>A (NM_001406689.1, NM_001406690.1, NM_001406691.1 and 2 more transcripts); and 6 more; short protein forms L128Q, L176Q, L165Q, L195Q, L116Q, L146Q.
Identifiers: ClinVar variation 3462645 (VCV003462645.1).

ClinVar aggregate classification (germline): Uncertain significance (1 of 4 stars; one submission).

Conditions:
Hereditary cancer-predisposing syndrome. Also called: Tumor predisposition; Neoplastic Syndromes, Hereditary; Hereditary neoplastic syndrome; Hereditary Cancer Syndrome. Identifiers: Orphanet 140162, MedGen C0027672, MeSH D009386, MONDO:0015356.

Submission:

Ambry Genetics
Classification: Uncertain significance for Hereditary cancer-predisposing syndrome. Last evaluated: 2024-10-14. Review status: criteria provided, single submitter. Criteria: Ambry Variant Classification Scheme 2023. Collection method: clinical testing. Allele origin: germline.
Comment: The p.L165Q variant (also known as c.494T>A), located in coding exon 5 of the TSC2 gene, results from a T to A substitution at nucleotide position 494. The leucine at codon 165 is replaced by glutamine, an amino acid with dissimilar properties. This amino acid position is conserved. In addition, this alteration is predicted to be deleterious by in silico analysis. Based on the available evidence, the clinical significance of this variant remains unclear.